The following is an entry in ClinVar:

ClinVar aggregate classification (germline): Pathogenic. Review status: criteria provided, multiple submitters, no conflicts (2 of 4 stars). 2 submissions from 2 submitters: Pathogenic (2). Last evaluated 2026-04-11.

Conditions:
Cornelia de Lange syndrome 1 (CDLS1). Also called: TYPUS DEGENERATIVUS AMSTELODAMENSIS; Brachmann de Lange syndrome; NIPBL-Related Cornelia de Lange Syndrome. Identifiers: Orphanet 199, MedGen C4551851, MONDO:0007387, OMIM 122470.

Submissions (2):

GeneDx
Classification: Pathogenic. Last evaluated: 2026-04-11. Review status: criteria provided, single submitter. Criteria: GeneDx Variant Classification Process June 2021. Collection method: clinical testing. Allele origin: germline.
Comment: Canonical splice site variant predicted to result in a null allele in a gene for which loss of function is a known mechanism of disease; Not observed at significant frequency in large population cohorts (gnomAD); This variant is associated with the following publications: (PMID: 25525159, 20124326)

Genetic Services Laboratory, University of Chicago
Classification: Pathogenic for Cornelia de Lange syndrome 1. Last evaluated: 2015-01-08. Review status: criteria provided, single submitter. Criteria: ACMG Guidelines, 2015. Collection method: clinical testing. Allele origin: germline. Affected: yes.

NM_133433.4(NIPBL):c.6108+2T>C

Gene: NIPBL (NIPBL cohesin loading factor; plus strand). Cytogenetic location: 5p13.2.
Variant type: single nucleotide variant.
Coding change: c.6108+2T>C on transcript NM_133433.4 (MANE Select); the canonical splice donor site of the intron after coding-DNA position 6108, T replaced by C.
Molecular consequence: splice donor variant.
Genome position (GRCh38, 1-based): chr5:37,038,740, T>C. VCF-style: chr5-37038740-T-C. GRCh37 (hg19) VCF-style: chr5-37038842-T-C.
Other names: c.6108+2T>C (NM_015384.5).
Identifiers: ClinVar variation 211653 (VCV000211653.7), dbSNP rs797045775, ClinGen allele CA277253.